The following is an entry in ClinVar:

NM_000059.4(BRCA2):c.8457T>A (p.Asp2819Glu)

Gene: BRCA2 (BRCA2 DNA repair associated; plus strand). Cytogenetic location: 13q13.1.
Variant type: single nucleotide variant.
Coding change: c.8457T>A on transcript NM_000059.4 (MANE Select); coding-DNA position 8457, T replaced by A.
Protein change: p.Asp2819Glu; replaces aspartic acid 2819 with glutamic acid.
Molecular consequence: missense variant.
Genome position (GRCh38, 1-based): chr13:32,370,527, T>A. VCF-style: chr13-32370527-T-A. GRCh37 (hg19) VCF-style: chr13-32944664-T-A.
Other names: c.8361T>A, p.Asp2787Glu (NM_001406719.1); c.8457T>A, p.Asp2819Glu (NM_001406720.1); c.3525T>A, p.Asp1175Glu (NM_001406721.1); c.2040T>A, p.Asp680Glu (NM_001406722.1); short protein forms D1175E, D2819E, D680E, D2787E.
Identifiers: ClinVar variation 1936757 (VCV001936757.7), dbSNP rs876660166, ClinGen allele CA387752594.

ClinVar aggregate classification (germline): Conflicting classifications of pathogenicity. Review status: criteria provided, conflicting classifications (1 of 4 stars). 2 submissions from 2 submitters: Uncertain significance (1); Likely benign (1). Last evaluated 2025-05-15.

Conditions:
Hereditary cancer-predisposing syndrome. Also called: Neoplastic Syndromes, Hereditary; Hereditary Cancer Syndrome; Tumor predisposition; Hereditary neoplastic syndrome. Identifiers: Orphanet 140162, MedGen C0027672, MeSH D009386, MONDO:0015356.
Hereditary breast ovarian cancer syndrome. Also called: Hereditary breast and ovarian cancer syndrome; Hereditary breast and/or ovarian cancer syndrome; Hereditary breast and ovarian cancer; Hereditary breast and ovarian cancer syndrome (HBOC); Breast and ovarian cancer; BRCA1- and BRCA2-Associated Hereditary Breast and Ovarian Cancer. Identifiers: Orphanet 145, MedGen C0677776, MeSH D061325, MONDO:0003582. Disease mechanism: loss of function.

gnomAD v4.1: 1 of 1,613,912 alleles (0.000062%); highest among the groups gnomAD compares: Non-Finnish European, 0.000085%; no homozygotes.

Submissions (2):

Ambry Genetics
Classification: Likely benign for Hereditary cancer-predisposing syndrome. Last evaluated: 2025-05-15. Review status: criteria provided, single submitter. Criteria: Ambry Variant Classification Scheme 2023. Collection method: clinical testing. Allele origin: germline.

Labcorp Genetics (formerly Invitae), Labcorp
Classification: Uncertain significance for Hereditary breast ovarian cancer syndrome. Last evaluated: 2022-08-17. Review status: criteria provided, single submitter. Criteria: Invitae Variant Classification Sherloc (09022015). Collection method: clinical testing. Allele origin: germline.
Comment: In summary, the available evidence is currently insufficient to determine the role of this variant in disease. Therefore, it has been classified as a Variant of Uncertain Significance. Advanced modeling of protein sequence and biophysical properties (such as structural, functional, and spatial information, amino acid conservation, physicochemical variation, residue mobility, and thermodynamic stability) performed at Invitae indicates that this missense variant is not expected to disrupt BRCA2 protein function. This missense change has been observed in individual(s) with breast cancer (PMID: 31954625). This variant is not present in population databases (gnomAD no frequency). This sequence change replaces aspartic acid, which is acidic and polar, with glutamic acid, which is acidic and polar, at codon 2819 of the BRCA2 protein (p.Asp2819Glu).

Literature cited by the submitters: PubMed 31954625 (cited by Labcorp Genetics (formerly Invitae), Labcorp).